The following is an entry in ClinVar:

NM_147686.4(TRAF3IP2):c.704A>C (p.Glu235Ala)

Genes: TRAF3IP2 (TRAF3 interacting protein 2; minus strand), TRAF3IP2-AS1 (TRAF3IP2 antisense RNA 1; plus strand), LOC114803478 (TRAF3IP2 eExon liver enhancer; plus strand). Cytogenetic location: 6q21.
Variant type: single nucleotide variant.
Coding change: c.704A>C on transcript NM_147686.4 (MANE Select); coding-DNA position 704, A replaced by C.
Protein change: p.Glu235Ala; replaces glutamic acid 235 with alanine.
Molecular consequence: missense variant.
Genome position (GRCh38, 1-based): chr6:111,591,383, T>G on the plus strand (A>C on the coding strand, the complement: TRAF3IP2 is on the minus strand). VCF-style: chr6-111591383-T-G. GRCh37 (hg19) VCF-style: chr6-111912586-T-G.
Other names: c.704A>C, p.Glu235Ala (NM_001164281.3); c.731A>C, p.Glu244Ala (NM_147200.3); short protein forms E235A, E244A.
Identifiers: ClinVar variation 853708 (VCV000853708.7), dbSNP rs771255680, ClinGen allele CA3963274.

ClinVar aggregate classification (germline): Uncertain significance (1 of 4 stars; one submission).

Conditions:
Candidiasis, familial, 8 (CANDF8). Identifiers: Orphanet 1334, MedGen C3714992, MONDO:0014230, OMIM 615527.

Allele frequency attached by ClinVar (database versions not stated): gnomAD exomes below 0.00001 and 0.00001; ExAC 0.00001; TOPMed 0.00004; gnomAD 0.00006.
gnomAD v4.1: 10 of 1,544,880 alleles (0.00065%); highest among the groups gnomAD compares: African/African-American, 0.014%; no homozygotes.

Submission:

Labcorp Genetics (formerly Invitae), Labcorp
Classification: Uncertain significance for Candidiasis, familial, 8. Last evaluated: 2022-04-18. Review status: criteria provided, single submitter. Criteria: Invitae Variant Classification Sherloc (09022015). Collection method: clinical testing. Allele origin: germline.
Comment: This sequence change replaces glutamic acid, which is acidic and polar, with alanine, which is neutral and non-polar, at codon 235 of the TRAF3IP2 protein (p.Glu235Ala). This variant is present in population databases (rs771255680, gnomAD 0.01%). This variant has not been reported in the literature in individuals affected with TRAF3IP2-related conditions. ClinVar contains an entry for this variant (Variation ID: 853708). Algorithms developed to predict the effect of missense changes on protein structure and function are either unavailable or do not agree on the potential impact of this missense change (SIFT: "Deleterious"; PolyPhen-2: "Possibly Damaging"; Align-GVGD: "Class C0"). In summary, the available evidence is currently insufficient to determine the role of this variant in disease. Therefore, it has been classified as a Variant of Uncertain Significance.